The following is an entry in ClinVar:

NM_032043.3(BRIP1):c.290_293del (p.Asn97fs)

Gene: BRIP1 (BRCA1 interacting DNA helicase 1; minus strand). Cytogenetic location: 17q23.2.
Variant type: Microsatellite.
Coding change: c.290_293del on transcript NM_032043.3 (MANE Select); coding-DNA positions 290 to 293, 4 bases deleted (ACAA; older notation c.290_293delACAA).
Protein change: p.Asn97fs; shifts the reading frame from asparagine 97.
Molecular consequence: frameshift variant.
Genome position (GRCh38, 1-based): chr17:61,857,144-61,857,147, TTGT deleted on the plus strand (ACAA on the coding strand, the reverse complement: BRIP1 is on the minus strand); deleting any 4 consecutive bases within chr17:61,857,144-61,857,151 gives the same sequence; the c. name uses the placement nearest the transcript's 3' end. VCF-style (leftmost placement, unchanged base first): chr17-61857143-ATTGT-A. GRCh37 (hg19) VCF-style: chr17-59934504-ATTGT-A.
Other names: c.290_293delACAA (NM_032043.2); short protein forms N97fs.
Identifiers: ClinVar variation 187379 (VCV000187379.31), dbSNP rs763009188, ClinGen allele CA197504.

ClinVar aggregate classification (germline): Pathogenic. Review status: criteria provided, multiple submitters, no conflicts (2 of 4 stars). 10 submissions from 9 submitters: Pathogenic (8). 2 of the submissions do not count toward it. Last evaluated 2026-01-07.

Conditions:
Ovarian cancer. Also called: OVARIAN CANCER, SOMATIC. Identifiers: Orphanet 213500, MedGen C1140680, MONDO:0008170, OMIM 167000.
Hereditary cancer-predisposing syndrome. Also called: Hereditary Cancer Syndrome; Neoplastic Syndromes, Hereditary; Tumor predisposition; Hereditary neoplastic syndrome. Identifiers: Orphanet 140162, MedGen C0027672, MeSH D009386, MONDO:0015356.
Familial cancer of breast. Also called: BREAST CANCER, FAMILIAL; Hereditary breast cancer; hereditary breast carcinoma. Identifiers: Orphanet 227535, MedGen C0346153, MONDO:0016419, OMIM 114480. Disease mechanism: loss of function.
Fanconi anemia complementation group J. Also called: BRIP1-Related Fanconi Anemia. Identifiers: Orphanet 84, MedGen C1836860, MONDO:0012187, OMIM 609054.

Submissions (10):

Labcorp Genetics (formerly Invitae), Labcorp
Classification: Pathogenic for Familial cancer of breast; Fanconi anemia complementation group J. Last evaluated: 2026-01-07. Review status: criteria provided, single submitter. Criteria: Invitae Variant Classification Sherloc (09022015). Collection method: clinical testing. Allele origin: germline.
Comment: This sequence change creates a premature translational stop signal (p.Asn97Metfs*3) in the BRIP1 gene. It is expected to result in an absent or disrupted protein product. Loss-of-function variants in BRIP1 are known to be pathogenic (PMID: 16116423, 17033622, 21964575). This variant is present in population databases (rs763009188, gnomAD 0.003%). This variant has not been reported in the literature in individuals affected with BRIP1-related conditions. ClinVar contains an entry for this variant (Variation ID: 187379). For these reasons, this variant has been classified as Pathogenic.

GeneDx
Classification: Pathogenic. Last evaluated: 2025-08-31. Review status: criteria provided, single submitter. Criteria: GeneDx Variant Classification Process June 2021. Collection method: clinical testing. Allele origin: germline. Affected: yes.
Comment: Frameshift variant predicted to result in protein truncation or nonsense mediated decay in a gene for which loss of function is a known mechanism of disease; Not observed at significant frequency in large population cohorts (gnomAD); This variant is associated with the following publications: (PMID: 26689913, 31341520, 24448499, 21964575, 29922827, 17033622, 16116423, 36451132)

Unidad de Genética Molecular HGU Elche, Hospital General Universitario de Elche
Classification: Pathogenic for Hereditary cancer-predisposing syndrome. Last evaluated: 2025-05-05. Review status: criteria provided, single submitter. Criteria: ACMG Guidelines, 2015. Collection method: clinical testing. Allele origin: germline. Affected: yes.
Comment: PVS1 very strong; PP5 very strong; PM2 supporting

Ambry Genetics
Classification: Pathogenic for Hereditary cancer-predisposing syndrome. Last evaluated: 2025-01-29. Review status: criteria provided, single submitter. Criteria: Ambry Variant Classification Scheme 2023. Collection method: clinical testing. Allele origin: germline.
Comment: The c.290_293delACAA pathogenic mutation, located in coding exon 3 of the BRIP1 gene, results from a deletion of 4 nucleotides at nucleotide positions 290 to 293, causing a translational frameshift with a predicted alternate stop codon (p.N97Mfs*3). This alteration has been reported in multiple ovarian cancer patients (Kanchi KL et al. Nat Commun, 2014;5:3156; Lu C et al. Nat Commun. 2015 Dec 22;6:10086; Arvai KJ et al. Hered Cancer Clin Pract, 2019 Jul;17:19). This alteration is expected to result in loss of function by premature protein truncation or nonsense-mediated mRNA decay. As such, this alteration is interpreted as a disease-causing mutation.

Quest Diagnostics Nichols Institute San Juan Capistrano
Classification: Pathogenic. Last evaluated: 2023-12-12. Review status: criteria provided, single submitter. Criteria: Quest Diagnostics criteria. Collection method: clinical testing. Allele origin: unknown.
Comment: The BRIP1 c.290_293del (p.Asn97Metfs*3) variant alters the translational reading frame of the BRIP1 mRNA and causes the premature termination of BRIP1 protein synthesis. This variant has been reported in the published literature individuals with ovarian cancer (PMID: 31341520 (2018)) and serous cystadenocarcinoma (PMID: 36451132 (2022)). This variant has also been reported in unaffected individuals (PMID: 33471991 (2021), see also LOVD). Based on the available information, this variant is classified as pathogenic. The frequency of this variant in the general population, 0.000008 (2/251452 chromosomes (Genome Aggregation Database)), is consistent with pathogenicity.

Baylor Genetics
Classification: Pathogenic for Familial cancer of breast. Last evaluated: 2023-07-12. Review status: criteria provided, single submitter. Criteria: ACMG Guidelines, 2015. Collection method: clinical testing. Allele origin: unknown.

Myriad Genetics, Inc.
Classification: Pathogenic for Familial cancer of breast. Last evaluated: 2023-02-28. Review status: criteria provided, single submitter. Criteria: Myriad Autosomal Dominant, Autosomal Recessive and X-Linked Classification Criteria (2023). Collection method: clinical testing. Allele origin: unknown.
Comment: This variant is considered pathogenic. This variant creates a frameshift predicted to result in premature protein truncation.

Color Diagnostics, LLC DBA Color Health
Classification: Pathogenic for Hereditary cancer-predisposing syndrome. Last evaluated: 2020-01-15. Review status: criteria provided, single submitter. Criteria: ACMG Guidelines, 2015. Collection method: clinical testing. Allele origin: germline.
Comment: This variant deletes 4 nucleotides in exon 4 of the BRIP1 gene, creating a frameshift and premature translation stop signal. This variant is expected to result in an absent or non-functional protein product. This variant has been identified in 2/251452 chromosomes in the general population by the Genome Aggregation Database (gnomAD). Loss of BRIP1 function is a known mechanism of disease. Based on the available evidence, this variant is classified as Pathogenic.

Counsyl
Classification: Likely pathogenic for Fanconi anemia complementation group J. Last evaluated: 2016-09-02. Review status: no assertion criteria provided. Collection method: clinical testing. Allele origin: unknown. Not counted in ClinVar's aggregate classification.

Counsyl
Classification: Likely pathogenic for Ovarian cancer. Last evaluated: 2016-09-02. Review status: no assertion criteria provided. Collection method: clinical testing. Allele origin: unknown. Not counted in ClinVar's aggregate classification.

Literature cited by the submitters: PubMed 16116423 (cited by Labcorp Genetics (formerly Invitae), Labcorp); PubMed 17033622 (cited by Labcorp Genetics (formerly Invitae), Labcorp); PubMed 21964575 (cited by Labcorp Genetics (formerly Invitae), Labcorp); PubMed 24448499 (cited by Ambry Genetics); PubMed 26689913 (cited by Ambry Genetics); PubMed 29922827 (cited by Ambry Genetics and Quest Diagnostics Nichols Institute San Juan Capistrano); PubMed 31341520 (cited by Ambry Genetics and Quest Diagnostics Nichols Institute San Juan Capistrano); PubMed 36451132 (cited by Quest Diagnostics Nichols Institute San Juan Capistrano); PubMed 33471991 (cited by Quest Diagnostics Nichols Institute San Juan Capistrano).